The following is an entry in ClinVar:

ClinVar aggregate classification (germline): Uncertain significance (1 of 4 stars; one submission).

Conditions:
Familial thoracic aortic aneurysm and aortic dissection (TAAD). Also called: Thoracic aortic aneurysms and dissections. Identifiers: Orphanet 91387, MedGen C4707243, MONDO:0019625.

Submission:

Color Diagnostics, LLC DBA Color Health
Classification: Uncertain significance for Familial thoracic aortic aneurysm and aortic dissection. Last evaluated: 2023-12-05. Review status: criteria provided, single submitter. Criteria: ACMG Guidelines, 2015. Collection method: clinical testing. Allele origin: germline.
Comment: Variant of Uncertain Significance due to insufficient evidence: This missense variant is located in the triple-helical region of the COL3A1 protein. Computational prediction tools and conservation analyses suggest that this variant may have deleterious impact on the protein function. Computational splicing tools suggest that this variant may not impact RNA splicing. To our knowledge, functional assays have not been performed for this variant nor has this variant been reported in individuals affected with cardiovascular disorders in the literature. This variant is rare in the general population and has been identified in 0/277264 chromosomes by the Genome Aggregation Database (gnomAD). Available evidence is insufficient to determine the role of this variant in disease conclusively.

NM_000090.4(COL3A1):c.3101G>T (p.Arg1034Leu)

Gene: COL3A1 (collagen type III alpha 1 chain; plus strand). Cytogenetic location: 2q32.2.
Variant type: single nucleotide variant.
Coding change: c.3101G>T on transcript NM_000090.4 (MANE Select); coding-DNA position 3101, G replaced by T.
Protein change: p.Arg1034Leu; replaces arginine 1034 with leucine.
Molecular consequence: missense variant.
Genome position (GRCh38, 1-based): chr2:189,006,352, G>T. VCF-style: chr2-189006352-G-T. GRCh37 (hg19) VCF-style: chr2-189871078-G-T.
Other names: short protein forms R1034L.
Identifiers: ClinVar variation 918828 (VCV000918828.5), dbSNP rs780788248, ClinGen allele CA349845021.